The following is an entry in ClinVar:

ClinVar aggregate classification (germline): Uncertain significance. Review status: criteria provided, multiple submitters, no conflicts (2 of 4 stars). 2 submissions from 2 submitters: Uncertain significance (2). Last evaluated 2025-10-02.

Conditions:
Giant axonal neuropathy 1 (GAN1). Also called: GAN-Related Neurodegeneration; GIANT AXONAL NEUROPATHY 1, AUTOSOMAL RECESSIVE. Identifiers: Orphanet 643, MedGen C1850386, MONDO:0009749, OMIM 256850.
Inborn genetic diseases. Identifiers: MedGen C0950123, MeSH D030342.

Allele frequency attached by ClinVar (database versions not stated): gnomAD exomes 0.00001 and 0.00006; ExAC 0.00002; gnomAD 0.00002; TOPMed 0.00002.
gnomAD v4.1: 93 of 1,613,452 alleles (0.0058%); highest among the groups gnomAD compares: Non-Finnish European, 0.0078%; no homozygotes.

Submissions (2):

Labcorp Genetics (formerly Invitae), Labcorp
Classification: Uncertain significance for Giant axonal neuropathy 1. Last evaluated: 2025-10-02. Review status: criteria provided, single submitter. Criteria: Invitae Variant Classification Sherloc (09022015). Collection method: clinical testing. Allele origin: germline.
Comment: This sequence change replaces alanine, which is neutral and non-polar, with valine, which is neutral and non-polar, at codon 463 of the GAN protein (p.Ala463Val). This variant is present in population databases (rs200342055, gnomAD 0.007%). This variant has not been reported in the literature in individuals affected with GAN-related conditions. ClinVar contains an entry for this variant (Variation ID: 863477). Invitae Evidence Modeling of protein sequence and biophysical properties (such as structural, functional, and spatial information, amino acid conservation, physicochemical variation, residue mobility, and thermodynamic stability) indicates that this missense variant is not expected to disrupt GAN protein function with a negative predictive value of 80%. In summary, the available evidence is currently insufficient to determine the role of this variant in disease. Therefore, it has been classified as a Variant of Uncertain Significance.

Ambry Genetics
Classification: Uncertain significance for Inborn genetic diseases. Last evaluated: 2020-05-13. Review status: criteria provided, single submitter. Criteria: Ambry Variant Classification Scheme 2023. Collection method: clinical testing. Allele origin: germline.
Comment: The p.A463V variant (also known as c.1388C>T), located in coding exon 9 of the GAN gene, results from a C to T substitution at nucleotide position 1388. The alanine at codon 463 is replaced by valine, an amino acid with similar properties. This amino acid position is highly conserved in available vertebrate species. In addition, this alteration is predicted to be deleterious by in silico analysis. Since supporting evidence is limited at this time, the clinical significance of this alteration remains unclear.

NM_022041.4(GAN):c.1388C>T (p.Ala463Val)

Gene: GAN (gigaxonin; plus strand). Cytogenetic location: 16q23.2.
Variant type: single nucleotide variant.
Coding change: c.1388C>T on transcript NM_022041.4 (MANE Select); coding-DNA position 1388, C replaced by T.
Protein change: p.Ala463Val; replaces alanine 463 with valine.
Molecular consequence: missense variant.
Genome position (GRCh38, 1-based): chr16:81,365,364, C>T. VCF-style: chr16-81365364-C-T. GRCh37 (hg19) VCF-style: chr16-81398969-C-T.
Other names: c.749C>T, p.Ala250Val (NM_001377486.1); short protein forms A250V, A463V.
Identifiers: ClinVar variation 863477 (VCV000863477.7), dbSNP rs200342055, ClinGen allele CA8191756.